The following is an entry in ClinVar:

NM_152464.3(VMA12):c.596G>A (p.Arg199Gln)

Gene: VMA12 (vacuolar ATPase assembly factor VMA12; plus strand). Cytogenetic location: 17q11.2.
Variant type: single nucleotide variant.
Coding change: c.596G>A on transcript NM_152464.3 (MANE Select); coding-DNA position 596, G replaced by A.
Protein change: p.Arg199Gln; replaces arginine 199 with glutamine.
Molecular consequence: missense variant.
Genome position (GRCh38, 1-based): chr17:28,361,221, G>A. VCF-style: chr17-28361221-G-A. GRCh37 (hg19) VCF-style: chr17-26688243-G-A.
Other names: short protein forms R199Q.
Identifiers: ClinVar variation 2903633 (VCV002903633.1), dbSNP rs147742797, ClinGen allele CA8457155.

ClinVar aggregate classification (germline): Uncertain significance (1 of 4 stars; one submission).

Allele frequency attached by ClinVar (database versions not stated): ESP Exome Variant Server 0.00008; gnomAD exomes 0.00009; TOPMed 0.00011; gnomAD 0.00017; ExAC 0.00026; 1000 Genomes Project 0.00060; 1000 Genomes Project 30x 0.00078.
gnomAD v4.1: 164 of 1,614,108 alleles (0.01%); highest among the groups gnomAD compares: South Asian, 0.14%; 1 homozygote.

Submission:

Labcorp Genetics (formerly Invitae), Labcorp
Classification: Uncertain significance. Last evaluated: 2023-06-16. Review status: criteria provided, single submitter. Criteria: Invitae Variant Classification Sherloc (09022015). Collection method: clinical testing. Allele origin: germline.
Comment: In summary, the available evidence is currently insufficient to determine the role of this variant in disease. Therefore, it has been classified as a Variant of Uncertain Significance. An algorithm developed to predict the effect of missense changes on protein structure and function (PolyPhen-2) suggests that this variant¬†is likely to be tolerated. This variant has not been reported in the literature in individuals affected with TMEM199-related conditions. This variant is present in population databases (rs147742797, gnomAD 0.1%). This sequence change replaces arginine, which is basic and polar, with glutamine, which is neutral and polar, at codon 199 of the TMEM199 protein (p.Arg199Gln).